The following is an entry in ClinVar:

ClinVar aggregate classification (germline): Benign. Review status: criteria provided, single submitter (1 of 4 stars). 2 submissions from 2 submitters: Benign (1). 1 of the submissions does not count toward it. Last evaluated 2025-02-12.

Conditions:
Rubinstein-Taybi syndrome due to EP300 haploinsufficiency. Also called: EP300-Related Rubinstein-Taybi Syndrome; RUBINSTEIN-TAYBI SYNDROME 2. Identifiers: Orphanet 353284, Orphanet 783, MedGen C3150941, MONDO:0013364, OMIM 613684.
EP300-related disorder. Also called: EP300-related disorders; EP300-related condition.

Allele frequency attached by ClinVar (database versions not stated): ExAC 0.00002; ESP Exome Variant Server 0.00008; gnomAD 0.00017; TOPMed 0.00019.
gnomAD v4.1: 32 of 1,606,966 alleles (0.002%); highest among the groups gnomAD compares: African/African-American, 0.039%; no homozygotes.

Submissions (2):

Labcorp Genetics (formerly Invitae), Labcorp
Classification: Benign for Rubinstein-Taybi syndrome due to EP300 haploinsufficiency. Last evaluated: 2025-02-12. Review status: criteria provided, single submitter. Criteria: Invitae Variant Classification Sherloc (09022015). Collection method: clinical testing. Allele origin: germline.

PreventionGenetics, part of Exact Sciences
Classification: Likely benign for EP300-related condition. Last evaluated: 2022-04-29. Review status: no assertion criteria provided. Collection method: clinical testing. Allele origin: germline. Not counted in ClinVar's aggregate classification.
Comment: This variant is classified as likely benign based on ACMG/AMP sequence variant interpretation guidelines (Richards et al. 2015 PMID: 25741868, with internal and published modifications).

NM_001429.4(EP300):c.4191C>T (p.Tyr1397=)

Gene: EP300 (EP300 lysine acetyltransferase; plus strand). Cytogenetic location: 22q13.2.
Variant type: single nucleotide variant.
Coding change: c.4191C>T on transcript NM_001429.4 (MANE Select); coding-DNA position 4191, C replaced by T.
Protein change: p.Tyr1397=; no amino-acid change (tyrosine 1397 retained).
Molecular consequence: synonymous variant.
Genome position (GRCh38, 1-based): chr22:41,169,521, C>T. VCF-style: chr22-41169521-C-T. GRCh37 (hg19) VCF-style: chr22-41565525-C-T.
Other names: c.4113C>T, p.Tyr1371= (NM_001362843.2); c.4191C>T (NM_001429.3).
Identifiers: ClinVar variation 2197123 (VCV002197123.6), dbSNP rs377652798, ClinGen allele CA10253372.